The following is an entry in ClinVar:

NM_013266.4(CTNNA3):c.945G>A (p.Ala315=)

Gene: CTNNA3 (catenin alpha 3; minus strand). Cytogenetic location: 10q21.3.
Variant type: single nucleotide variant.
Coding change: c.945G>A on transcript NM_013266.4 (MANE Select); coding-DNA position 945, G replaced by A.
Protein change: p.Ala315=; no amino-acid change (alanine 315 retained).
Molecular consequence: synonymous variant.
Genome position (GRCh38, 1-based): chr10:67,180,419, C>T on the plus strand (G>A on the coding strand, the complement: CTNNA3 is on the minus strand). VCF-style: chr10-67180419-C-T. GRCh37 (hg19) VCF-style: chr10-68940177-C-T.
Other names: c.945G>A, p.Ala315= (NM_001127384.3); c.981G>A, p.Ala327= (NM_001291133.2).
Identifiers: ClinVar variation 415367 (VCV000415367.15), dbSNP rs375992799, ClinGen allele CA5520447.

ClinVar aggregate classification (germline): Likely benign. Review status: criteria provided, multiple submitters, no conflicts (2 of 4 stars). 4 submissions from 4 submitters: Likely benign (3). 1 of the submissions does not count toward it. Last evaluated 2026-01-08.

Conditions:
Arrhythmogenic right ventricular dysplasia 13. Also called: ARRHYTHMOGENIC RIGHT VENTRICULAR CARDIOMYOPATHY 13; Arrhythmogenic right ventricular dysplasia, familial, 13. Identifiers: MedGen C3810138, MONDO:0000908, OMIM 615616.
CTNNA3-related disorder. Also called: CTNNA3-related condition.

Allele frequency attached by ClinVar (database versions not stated): gnomAD 0.00001 and 0.00002; TOPMed 0.00004; gnomAD exomes 0.00005 and 0.00008; ESP Exome Variant Server 0.00008; ExAC 0.00010.
gnomAD v4.1: 76 of 1,613,644 alleles (0.0047%); highest among the groups gnomAD compares: Admixed American, 0.02%; no homozygotes.

Submissions (4):

Labcorp Genetics (formerly Invitae), Labcorp
Classification: Likely benign for Arrhythmogenic right ventricular dysplasia 13. Last evaluated: 2026-01-08. Review status: criteria provided, single submitter. Criteria: Invitae Variant Classification Sherloc (09022015). Collection method: clinical testing. Allele origin: germline.

Blueprint Genetics
Classification: Likely benign. Last evaluated: 2024-11-04. Review status: criteria provided, single submitter. Criteria: ACMG Guidelines, 2015. Collection method: clinical testing. Allele origin: germline.

Ambry Genetics
Classification: Likely benign. Last evaluated: 2019-08-08. Review status: criteria provided, single submitter. Criteria: Ambry Variant Classification Scheme 2023. Collection method: clinical testing. Allele origin: germline.

PreventionGenetics, part of Exact Sciences
Classification: Likely benign for CTNNA3-related condition. Last evaluated: 2024-06-08. Review status: no assertion criteria provided. Collection method: clinical testing. Allele origin: germline. Not counted in ClinVar's aggregate classification.
Comment: This variant is classified as likely benign based on ACMG/AMP sequence variant interpretation guidelines (Richards et al. 2015 PMID: 25741868, with internal and published modifications).